The following is an entry in ClinVar:

NR_172944.1(GGT2):n.998G>A

Gene: GGT2 (gamma-glutamyltransferase 2; minus strand). Cytogenetic location: 22q11.21.
Variant type: single nucleotide variant.
Molecular consequence: non-coding transcript variant (on NR_172944.1).
Genome position: GRCh38 VCF-style: chr22-21225471-C-T. GRCh37 (hg19) VCF-style: chr22-21579760-C-T.
Identifiers: ClinVar variation 2652944 (VCV002652944.23), dbSNP rs770433121, ClinGen allele CA10121508.

ClinVar aggregate classification (germline): Likely benign (1 of 4 stars; one submission).

Allele frequency attached by ClinVar (database versions not stated): ExAC 0.00012.

Submission:

CeGaT Center for Human Genetics Tuebingen
Classification: Likely benign. Last evaluated: 2023-10-01. Review status: criteria provided, single submitter. Criteria: CeGaT Center For Human Genetics Tuebingen Variant Classification Criteria Version 2. Collection method: clinical testing. Allele origin: germline. Affected: yes. Observed: 1 variant allele.
Comment: ENSG00000290983: BS2; GGT2P: BS2